The following is an entry in ClinVar:

NM_001164508.2(NEB):c.22597_22601del (p.Tyr7533fs)

Genes: NEB (nebulin; minus strand), RIF1 (replication timing regulatory factor 1; plus strand). Cytogenetic location: 2q23.3.
Variant type: Deletion.
Coding change: c.22597_22601del on transcript NM_001164508.2 (MANE Select); coding-DNA positions 22597 to 22601, 5 bases deleted (TACAA; older notation c.22597_22601delTACAA).
Protein change: p.Tyr7533fs; shifts the reading frame from tyrosine 7533.
Molecular consequence: frameshift variant.
Genome position (GRCh38, 1-based): chr2:151,519,059-151,519,063, TTGTA deleted on the plus strand (TACAA on the coding strand, the reverse complement: NEB is on the minus strand); deleting any 5 consecutive bases within chr2:151,519,059-151,519,065 gives the same sequence; the c. name uses the placement nearest the transcript's 3' end. VCF-style (leftmost placement, unchanged base first): chr2-151519058-CTTGTA-C. GRCh37 (hg19) VCF-style: chr2-152375572-CTTGTA-C.
Other names: c.22702_22706del (NM_001271208.1); c.22700_22704delAATAC, p.Tyr7568Glyfs (NM_001271208.1); c.22702_22706del, p.Tyr7568fs (NM_001271208.2); c.17494_17498del, p.Tyr5832fs (NM_004543.5); c.22597_22601del, p.Tyr7533fs (NM_001164507.2); short protein forms Y5832fs, Y7533fs, Y7568fs.
Identifiers: ClinVar variation 2677126 (VCV002677126.5), dbSNP rs2552091156, ClinGen allele CA2695197034.
Genomic context (GRCh38, chr2:151,519,058, plus strand): 5'-ATTCATGATCAGAGACTCCTTCATGTCAGTCACGGGTTTGTGAAGTTTCTTCAGGTCAGC[CTTGTA>C]TTTAACCTGTGTGTTATGGGGGAAGAAAGGAAATCACGTAAATAGGAAATGGAACAGCAC-3'

ClinVar aggregate classification (germline): Pathogenic/Likely pathogenic. Review status: criteria provided, multiple submitters, no conflicts (2 of 4 stars). 3 submissions from 3 submitters: Pathogenic (1); Likely pathogenic (2). Last evaluated 2026-01-21.

Conditions:
Nemaline myopathy 2 (NEM2). Also called: Nemaline myopathy 2, autosomal recessive. Identifiers: MedGen C1850569, MONDO:0009725, OMIM 256030.
Arthrogryposis multiplex congenita 6. Identifiers: MedGen C5543431, MONDO:0030281, OMIM 619334.

Submissions (3):

Variantyx, Inc.
Classification: Likely pathogenic for Nemaline myopathy 2. Last evaluated: 2026-01-21. Review status: criteria provided, single submitter. Criteria: Variantyx Assertion Criteria 2022. Collection method: clinical testing. Allele origin: germline. Inheritance: Autosomal recessive inheritance.
Comment: This is a frameshift variant in the NEB gene (OMIM: 161650). Pathogenic variants in this gene have been associated with autosomal recessive nemaline myopathy 2. This variant introduces a premature termination codon in exon 155 out of 182and is expected to result in loss of function, which is a known disease mechanism for NEB in this disorder (PMID:10051637; 25205138) (PVS1). This variant is absent from control populations (PM2). Based on the current evidence, this variant is classified as likely pathogenic for autosomal recessive nemaline myopathy 2.

Labcorp Genetics (formerly Invitae), Labcorp
Classification: Pathogenic for Nemaline myopathy 2. Last evaluated: 2023-04-27. Review status: criteria provided, single submitter. Criteria: Invitae Variant Classification Sherloc (09022015). Collection method: clinical testing. Allele origin: germline.
Comment: For these reasons, this variant has been classified as Pathogenic. This variant has not been reported in the literature in individuals affected with NEB-related conditions. This variant is not present in population databases (gnomAD no frequency). This sequence change creates a premature translational stop signal (p.Tyr7568Glyfs*2) in the NEB gene. It is expected to result in an absent or disrupted protein product. Loss-of-function variants in NEB are known to be pathogenic (PMID: 25205138).

Baylor Genetics
Classification: Likely pathogenic for Arthrogryposis multiplex congenita 6. Last evaluated: 2023-03-01. Review status: criteria provided, single submitter. Criteria: ACMG Guidelines, 2015. Collection method: clinical testing. Allele origin: unknown.

Literature cited by the submitters: PubMed 10051637 (cited by Variantyx, Inc.); PubMed 25205138 (cited by Variantyx, Inc. and Labcorp Genetics (formerly Invitae), Labcorp).